The following is an entry in ClinVar:

NM_000868.4(HTR2C):c.651T>C (p.Ile217=)

Genes: HTR2C (5-hydroxytryptamine receptor 2C; plus strand), LOC126863306 (MED14-independent group 3 enhancer GRCh37_chrX:114140926-114142125; plus strand). Cytogenetic location: Xq23.
Variant type: single nucleotide variant.
Coding change: c.651T>C on transcript NM_000868.4 (MANE Select); coding-DNA position 651, T replaced by C.
Protein change: p.Ile217=; no amino-acid change (isoleucine 217 retained).
Molecular consequence: synonymous variant. On other transcripts: missense variant (1).
Genome position (GRCh38, 1-based): chrX:114,906,689, T>C. VCF-style: chrX-114906689-T-C. GRCh37 (hg19) VCF-style: chrX-114141252-T-C.
Other names: c.651T>C, p.Ile217= (NM_001256760.3); c.556T>C, p.Trp186Arg (NM_001256761.3); short protein forms W186R.
Identifiers: ClinVar variation 3351497 (VCV003351497.1).

ClinVar aggregate classification (germline): Uncertain significance (0 of 4 stars; one submission).

Conditions:
HTR2C-related disorder. Also called: HTR2C-related condition.

gnomAD v4.1: 66 of 1,208,856 alleles (0.0055%); highest among the groups gnomAD compares: South Asian, 0.081%; no homozygotes.

Submission:

PreventionGenetics, part of Exact Sciences
Classification: Uncertain significance for HTR2C-related condition. Last evaluated: 2024-06-29. Review status: no assertion criteria provided. Collection method: clinical testing. Allele origin: germline.
Comment: The HTR2C c.556T>C variant is predicted to result in the amino acid substitution p.Trp186Arg. This variant corresponds to a synonymous change in the primary transcript for this gene (NM_000868.3:c.651T>C, p.=). To our knowledge, this variant has not been reported in the literature. This variant is reported in 0.058% of alleles in individuals of South Asian descent in gnomAD, including 5 hemizygotes. Although we suspect this variant may be benign, at this time, the clinical significance is uncertain due to the absence of conclusive functional and genetic evidence.